The following is an entry in ClinVar:

NM_000256.3(MYBPC3):c.3797G>T (p.Cys1266Phe)

Gene: MYBPC3 (myosin binding protein C3; minus strand). Cytogenetic location: 11p11.2.
Variant type: single nucleotide variant.
Coding change: c.3797G>T on transcript NM_000256.3 (MANE Select); coding-DNA position 3797, G replaced by T.
Protein change: p.Cys1266Phe; replaces cysteine 1266 with phenylalanine.
Molecular consequence: missense variant.
Genome position (GRCh38, 1-based): chr11:47,332,089, C>A on the plus strand (G>T on the coding strand, the complement: MYBPC3 is on the minus strand). VCF-style: chr11-47332089-C-A. GRCh37 (hg19) VCF-style: chr11-47353640-C-A.
Other names: short protein forms C1266F.
Identifiers: ClinVar variation 1734994 (VCV001734994.2), dbSNP rs397516041, ClinGen allele CA380310450.
Genomic context (GRCh38, chr11:47,332,089, plus strand): 5'-CGCTCTTCCCATCTCCCAGGCCCTGGCCCCGAGGGCTCCTCACCTCGCACCTCCAGGCGG[C>A]ACTCACACCGTGCCTCGCCCTGTAAGTTGGTGGCCCTGCAGACATAGATGCCCCCGTCAA-3'
Protein context (NP_000247.2, residues 1256-1274): TNLQGEARCE[Cys1266Phe]RLEVRVPQ

ClinVar aggregate classification (germline): Uncertain significance (1 of 4 stars; one submission).

Conditions:
Cardiovascular phenotype. Identifiers: MedGen CN230736.

Submission:

Ambry Genetics
Classification: Uncertain significance for Cardiovascular phenotype. Last evaluated: 2020-03-26. Review status: criteria provided, single submitter. Criteria: Ambry Variant Classification Scheme 2023. Collection method: clinical testing. Allele origin: germline.
Comment: The p.C1266F variant (also known as c.3797G>T), located in coding exon 33 of the MYBPC3 gene, results from a G to T substitution at nucleotide position 3797. The cysteine at codon 1266 is replaced by phenylalanine, an amino acid with highly dissimilar properties. Alterations involving the same amino acid, including p.C1266R (c.3796T>C), p.C1266Y (c.3797G>A), and p.C1266W (c.3798C>G), have been reported in hypertrophic cardiomyopathy (HCM) cohorts; however, clinical details were limited (Maron BJ et al. Heart Rhythm. 2012 Jan;9:57-63; Page SP et al. Circ Cardiovasc Genet. 2012 Apr;5:156-66; Lopes LR et al. Heart, 2015 Feb;101:294-301; Walsh R et al. Genet. Med., 2017 02;19:192-203). This amino acid position is highly conserved in available vertebrate species. In addition, this alteration is predicted to be deleterious by in silico analysis. Since supporting evidence is limited at this time, the clinical significance of this alteration remains unclear.